The following is an entry in ClinVar:

ClinVar aggregate classification (germline): Likely pathogenic. Review status: criteria provided, multiple submitters, no conflicts (2 of 4 stars). 2 submissions from 2 submitters: Likely pathogenic (2). Last evaluated 2026-07-06.

Conditions:
Dilated cardiomyopathy 1G (CMD1G). Identifiers: Orphanet 154, MedGen C1858763, MONDO:0011400, OMIM 604145.
Autosomal recessive limb-girdle muscular dystrophy type 2J (LGMDR10). Also called: Limb-girdle muscular dystrophy, type 2J; MUSCULAR DYSTROPHY, LIMB-GIRDLE, AUTOSOMAL RECESSIVE 10. Identifiers: Orphanet 140922, MedGen C1837342, MONDO:0012127, OMIM 608807.

Submissions (2):

MVZ Martinsried, Medicover Genetics
Classification: Likely pathogenic for Dilated cardiomyopathy 1G. Last evaluated: 2026-07-06. Review status: criteria provided, single submitter. Criteria: ClinGen Variant Curation SOP V3.2 + Classification Guidance July2025. Collection method: clinical testing. Allele origin: unknown. Affected: yes. Observed: 1 heterozygote.

Labcorp Genetics (formerly Invitae), Labcorp
Classification: Likely pathogenic for Dilated cardiomyopathy 1G; Autosomal recessive limb-girdle muscular dystrophy type 2J. Last evaluated: 2024-07-02. Review status: criteria provided, single submitter. Criteria: Invitae Variant Classification Sherloc (09022015). Collection method: clinical testing. Allele origin: germline.
Comment: This sequence change creates a premature translational stop signal (p.Trp16224*) in the TTN gene. While this is not anticipated to result in nonsense mediated decay, it is expected to create a truncated TTN protein. This variant is not present in population databases (gnomAD no frequency). This variant has not been reported in the literature in individuals affected with TTN-related conditions. This variant is located in the A band of TTN (PMID: 25589632). Truncating variants in this region are significantly overrepresented in patients affected with dilated cardiomyopathy (PMID: 25589632). Truncating variants in this region have also been reported in individuals affected with autosomal recessive centronuclear myopathy (PMID: 23975875). In summary, the currently available evidence indicates that the variant is pathogenic, but additional data are needed to prove that conclusively. Therefore, this variant has been classified as Likely Pathogenic.

Literature cited by the submitters: PubMed 25589632 (cited by Labcorp Genetics (formerly Invitae), Labcorp); PubMed 23975875 (cited by Labcorp Genetics (formerly Invitae), Labcorp).

NM_001267550.2(TTN):c.48672G>A (p.Trp16224Ter)

Genes: TTN-AS1 (TTN antisense RNA 1; plus strand), TTN (titin; minus strand), LOC126806426 (BRD4-independent group 4 enhancer GRCh37_chr2:179478848-179480047; plus strand). Cytogenetic location: 2q31.2.
Variant type: single nucleotide variant.
Coding change: c.48672G>A on transcript NM_001267550.2 (MANE Select); coding-DNA position 48672, G replaced by A.
Protein change: p.Trp16224Ter; replaces tryptophan 16224 with a stop codon.
Molecular consequence: nonsense.
Genome position (GRCh38, 1-based): chr2:178,614,935, C>T on the plus strand (G>A on the coding strand, the complement: TTN is on the minus strand). VCF-style: chr2-178614935-C-T. GRCh37 (hg19) VCF-style: chr2-179479662-C-T.
Other names: c.40968G>A, p.Trp13656Ter (NM_133378.4); c.21852G>A, p.Trp7284Ter (NM_133432.3); c.22053G>A, p.Trp7351Ter (NM_133437.4); c.43749G>A, p.Trp14583Ter (NM_001256850.1); c.21477G>A, p.Trp7159Ter (NM_003319.4); short protein forms W13656*, W14583*, W16224*, W7159*, W7284*, W7351*.
Identifiers: ClinVar variation 3757107 (VCV003757107.3).